The following is an entry in ClinVar:

NM_024675.4(PALB2):c.2942G>A (p.Ser981Asn)

Gene: PALB2 (partner and localizer of BRCA2; minus strand). Cytogenetic location: 16p12.2.
Variant type: single nucleotide variant.
Coding change: c.2942G>A on transcript NM_024675.4 (MANE Select); coding-DNA position 2942, G replaced by A.
Protein change: p.Ser981Asn; replaces serine 981 with asparagine.
Molecular consequence: missense variant.
Genome position (GRCh38, 1-based): chr16:23,623,023, C>T on the plus strand (G>A on the coding strand, the complement: PALB2 is on the minus strand). VCF-style: chr16-23623023-C-T. GRCh37 (hg19) VCF-style: chr16-23634344-C-T.
Other names: short protein forms S981N.
Identifiers: ClinVar variation 650595 (VCV000650595.7), dbSNP rs1597081224, ClinGen allele CA395144102.

ClinVar aggregate classification (germline): Conflicting classifications of pathogenicity. Review status: criteria provided, conflicting classifications (1 of 4 stars). 2 submissions from 2 submitters: Uncertain significance (1); Likely benign (1). Last evaluated 2025-08-04.

Conditions:
Familial cancer of breast. Also called: hereditary breast carcinoma; Hereditary breast cancer; BREAST CANCER, FAMILIAL. Identifiers: Orphanet 227535, MedGen C0346153, MONDO:0016419, OMIM 114480. Disease mechanism: loss of function.
Hereditary cancer-predisposing syndrome. Also called: Neoplastic Syndromes, Hereditary; Tumor predisposition; Hereditary Cancer Syndrome; Hereditary neoplastic syndrome. Identifiers: Orphanet 140162, MedGen C0027672, MeSH D009386, MONDO:0015356.

Allele frequency attached by ClinVar (database versions not stated): gnomAD exomes below 0.00001.
gnomAD v4.1: 1 of 1,614,182 alleles (0.000062%); highest among the groups gnomAD compares: East Asian, 0.0022%; no homozygotes.

Submissions (2):

Labcorp Genetics (formerly Invitae), Labcorp
Classification: Likely benign for Familial cancer of breast. Last evaluated: 2025-08-04. Review status: criteria provided, single submitter. Criteria: Invitae Variant Classification Sherloc (09022015). Collection method: clinical testing. Allele origin: germline.

Color Diagnostics, LLC DBA Color Health
Classification: Uncertain significance for Hereditary cancer-predisposing syndrome. Last evaluated: 2023-03-20. Review status: criteria provided, single submitter. Criteria: ACMG Guidelines, 2015. Collection method: clinical testing. Allele origin: germline.
Comment: This missense variant replaces serine with asparagine at codon 981 of the PALB2 protein. Computational prediction suggests that this variant may not impact protein structure and function (internally defined REVEL score threshold <= 0.5, PMID: 27666373). To our knowledge, functional studies have not been reported for this variant. This variant has been detected in a breast cancer case-control meta-analysis in 0/60466 cases and 1/53461 unaffected individuals (PMID: 33471991; Leiden Open Variation Database DB-ID PALB2_010813). This variant has not been identified in the general population by the Genome Aggregation Database (gnomAD). The available evidence is insufficient to determine the role of this variant in disease conclusively. Therefore, this variant is classified as a Variant of Uncertain Significance.

Literature cited by the submitters: PubMed 33471991 (cited by Color Diagnostics, LLC DBA Color Health).